The following is an entry in ClinVar:

ClinVar aggregate classification (germline): Uncertain significance (1 of 4 stars; one submission).

Conditions:
Inborn genetic diseases. Identifiers: MedGen C0950123, MeSH D030342.

gnomAD v4.1: 2 of 1,613,776 alleles (0.00012%); highest among the groups gnomAD compares: Non-Finnish European, 0.00017%; no homozygotes.

Submission:

Ambry Genetics
Classification: Uncertain significance for Inborn genetic diseases. Last evaluated: 2025-04-03. Review status: criteria provided, single submitter. Criteria: Ambry Variant Classification Scheme 2023. Collection method: clinical testing. Allele origin: germline.
Comment: The p.K420E variant (also known as c.1258A>G), located in coding exon 11 of the AKT1 gene, results from an A to G substitution at nucleotide position 1258. The lysine at codon 420 is replaced by glutamic acid, an amino acid with similar properties. This amino acid position is conserved. In addition, the in silico prediction for this alteration is inconclusive. Based on the available evidence, the clinical significance of this variant remains unclear.

NM_001382430.1(AKT1):c.1258A>G (p.Lys420Glu)

Gene: AKT1 (AKT serine/threonine kinase 1; minus strand). Cytogenetic location: 14q32.33.
Variant type: single nucleotide variant.
Coding change: c.1258A>G on transcript NM_001382430.1 (MANE Select); coding-DNA position 1258, A replaced by G.
Protein change: p.Lys420Glu; replaces lysine 420 with glutamic acid.
Molecular consequence: missense variant.
Genome position (GRCh38, 1-based): chr14:104,772,367, T>C on the plus strand (A>G on the coding strand, the complement: AKT1 is on the minus strand). VCF-style: chr14-104772367-T-C. GRCh37 (hg19) VCF-style: chr14-105238704-T-C.
Other names: c.1258A>G, p.Lys420Glu (NM_001014431.2, NM_001014432.2, NM_001382431.1 and 3 more transcripts); short protein forms K420E.
Identifiers: ClinVar variation 4035976 (VCV004035976.1).